The following is an entry in ClinVar:

NM_025103.4(IFT74):c.254A>G (p.Lys85Arg)

Gene: IFT74 (intraflagellar transport 74; plus strand). Cytogenetic location: 9p21.2.
Variant type: single nucleotide variant.
Coding change: c.254A>G on transcript NM_025103.4 (MANE Select); coding-DNA position 254, A replaced by G.
Protein change: p.Lys85Arg; replaces lysine 85 with arginine.
Molecular consequence: missense variant.
Genome position (GRCh38, 1-based): chr9:26,978,261, A>G. VCF-style: chr9-26978261-A-G. GRCh37 (hg19) VCF-style: chr9-26978259-A-G.
Other names: c.254A>G (NM_025103.2); c.254A>G, p.Lys85Arg (NM_001099222.3, NM_001099223.3, NM_001099224.3 and 1 more transcripts); short protein forms K85R.
Identifiers: ClinVar variation 1265179 (VCV001265179.15), dbSNP rs11555693, ClinGen allele CA5014860.

ClinVar aggregate classification (germline): Benign. Review status: criteria provided, multiple submitters, no conflicts (2 of 4 stars). 6 submissions from 6 submitters: Benign (5). 1 of the submissions does not count toward it. Last evaluated 2026-02-04.

Conditions:
IFT74-related disorder. Also called: IFT74-Related Disorders; IFT74-related condition.
Bardet-Biedl syndrome 22 (BBS22). Identifiers: MedGen C5561936, MONDO:0014926, OMIM 617119.

Allele frequency attached by ClinVar (database versions not stated): ESP Exome Variant Server 0.06174; gnomAD exomes 0.07678 and 0.13397; gnomAD 0.09345 and 0.10295; TOPMed 0.11196; ExAC 0.12852; 1000 Genomes Project 30x 0.22470; 1000 Genomes Project 0.23403.
gnomAD v4.1: 128,591 of 1,611,946 alleles (8%); highest among the groups gnomAD compares: East Asian, 67%; 15,183 homozygotes.

Submissions (6):

Labcorp Genetics (formerly Invitae), Labcorp
Classification: Benign. Last evaluated: 2026-02-04. Review status: criteria provided, single submitter. Criteria: Invitae Variant Classification Sherloc (09022015). Collection method: clinical testing. Allele origin: germline.

Blueprint Genetics
Classification: Benign. Last evaluated: 2024-11-27. Review status: criteria provided, single submitter. Criteria: ACMG Guidelines, 2015. Collection method: clinical testing. Allele origin: germline.

Genome-Nilou Lab
Classification: Benign for Bardet-Biedl syndrome 22. Last evaluated: 2021-08-10. Review status: criteria provided, single submitter. Criteria: ACMG Guidelines, 2015. Collection method: clinical testing. Allele origin: germline. Affected: no.

GeneDx
Classification: Benign. Last evaluated: 2018-11-12. Review status: criteria provided, single submitter. Criteria: GeneDx Variant Classification Process June 2021. Collection method: clinical testing. Allele origin: germline. Affected: yes.

Breakthrough Genomics
Classification: Benign. Review status: criteria provided, single submitter. Criteria: ACMG Guidelines, 2015. Collection method: not provided. Allele origin: germline. Inheritance: Autosomal recessive inheritance. Affected: yes.

PreventionGenetics, part of Exact Sciences
Classification: Benign for IFT74-related condition. Last evaluated: 2020-03-24. Review status: no assertion criteria provided. Collection method: clinical testing. Allele origin: germline. Not counted in ClinVar's aggregate classification.
Comment: This variant is classified as benign based on ACMG/AMP sequence variant interpretation guidelines (Richards et al. 2015 PMID: 25741868, with internal and published modifications).